The following is an entry in ClinVar:

NM_001163435.3(TBCK):c.1938del (p.Leu647fs)

Gene: TBCK (TBC1 domain containing kinase; minus strand). Cytogenetic location: 4q24.
Variant type: Deletion.
Coding change: c.1938del on transcript NM_001163435.3 (MANE Select); coding-DNA position 1938, one base deleted (C; older notation c.1938delC).
Protein change: p.Leu647fs; shifts the reading frame from leucine 647.
Molecular consequence: frameshift variant.
Genome position (GRCh38, 1-based): chr4:106,193,730, G deleted on the plus strand (C on the coding strand, the reverse complement: TBCK is on the minus strand); the first of 2 consecutive G bases (chr4:106,193,730-106,193,731); deleting either gives the same sequence. VCF-style (leftmost placement, unchanged base first): chr4-106193729-AG-A. GRCh37 (hg19) VCF-style: chr4-107114886-AG-A.
Other names: c.1938del, p.Leu647fs (NM_001163436.4); c.1821del, p.Leu608fs (NM_001163437.3); c.1422del, p.Leu475fs (NM_001290768.2); c.1749del, p.Leu584fs (NM_033115.5); short protein forms L647fs, L608fs, L584fs, L475fs.
Identifiers: ClinVar variation 2128154 (VCV002128154.5), dbSNP rs2477000006, ClinGen allele CA2580071310.

ClinVar aggregate classification (germline): Pathogenic. Review status: criteria provided, multiple submitters, no conflicts (2 of 4 stars). 2 submissions from 2 submitters: Pathogenic (2). Last evaluated 2024-11-07.

Conditions:
Hypotonia, infantile, with psychomotor retardation and characteristic facies 3 (IHPRF3). Also called: TBCK-Related Neurodevelopmental Disorder. Identifiers: Orphanet 488632, MedGen C5567480, MONDO:0014823, OMIM 616900.

Submissions (2):

3billion
Classification: Pathogenic for Hypotonia, infantile, with psychomotor retardation and characteristic facies 3. Last evaluated: 2024-11-07. Review status: criteria provided, single submitter. Criteria: ACMG Guidelines, 2015. Collection method: clinical testing. Allele origin: germline. Affected: yes.
Comment: The variant is not observed in the gnomAD v4.1.0 dataset. Predicted Consequence/Location: Frameshift: predicted to result in a loss or disruption of normal protein function through nonsense-mediated decay (NMD) or protein truncation. Multiple pathogenic variants are reported downstream of the variant. The variant has been reported to be associated with TBCK related disorder (ClinVar ID: VCV002128154). Therefore, this variant is classified as Pathogenic according to the recommendation of ACMG/AMP guideline.

Labcorp Genetics (formerly Invitae), Labcorp
Classification: Pathogenic. Last evaluated: 2024-10-15. Review status: criteria provided, single submitter. Criteria: Invitae Variant Classification Sherloc (09022015). Collection method: clinical testing. Allele origin: germline.
Comment: This sequence change creates a premature translational stop signal (p.Leu647Tyrfs*14) in the TBCK gene. It is expected to result in an absent or disrupted protein product. Loss-of-function variants in TBCK are known to be pathogenic (PMID: 27040692, 30103036). This variant is not present in population databases (gnomAD no frequency). This variant has not been reported in the literature in individuals affected with TBCK-related conditions. ClinVar contains an entry for this variant (Variation ID: 2128154). For these reasons, this variant has been classified as Pathogenic.

Literature cited by the submitters: PubMed 27040692 (cited by Labcorp Genetics (formerly Invitae), Labcorp); PubMed 30103036 (cited by Labcorp Genetics (formerly Invitae), Labcorp).